The following is an entry in ClinVar:

NM_002618.4(PEX13):c.32C>A (p.Pro11His)

Genes: PEX13 (peroxisomal biogenesis factor 13; plus strand), PUS10 (pseudouridine synthase 10; minus strand). Cytogenetic location: 2p15.
Variant type: single nucleotide variant.
Coding change: c.32C>A on transcript NM_002618.4 (MANE Select); coding-DNA position 32, C replaced by A.
Protein change: p.Pro11His; replaces proline 11 with histidine.
Molecular consequence: missense variant. On other transcripts: intron variant (2).
Genome position (GRCh38, 1-based): chr2:61,017,791, C>A. VCF-style: chr2-61017791-C-A. GRCh37 (hg19) VCF-style: chr2-61244926-C-A.
Other names: c.-16+217G>T (NM_144709.4); c.-623+217G>T (NM_001322127.1); short protein forms P11H.
Identifiers: ClinVar variation 593168 (VCV000593168.17), dbSNP rs564528921, ClinGen allele CA1673191.

ClinVar aggregate classification (germline): Uncertain significance. Review status: criteria provided, multiple submitters, no conflicts (2 of 4 stars). 5 submissions from 5 submitters: Uncertain significance (5). Last evaluated 2024-10-04.

Conditions:
PEX13-related disorder. Also called: PEX13-related disorders; PEX13-related condition.
Peroxisome biogenesis disorder 11A (Zellweger). Also called: Peroxisome biogenesis disorder 11A. Identifiers: Orphanet 912, MedGen C3554000, MONDO:0013949, OMIM 614883.

Allele frequency attached by ClinVar (database versions not stated): 1000 Genomes Project 30x 0.00062; 1000 Genomes Project 0.00080.
gnomAD v4.1: 55 of 1,550,428 alleles (0.0035%); highest among the groups gnomAD compares: South Asian, 0.065%; 1 homozygote.

Submissions (5):

PreventionGenetics, part of Exact Sciences
Classification: Uncertain significance for PEX13-related condition. Last evaluated: 2024-10-04. Review status: criteria provided, single submitter. Criteria: ACMG Guidelines, 2015. Collection method: clinical testing. Allele origin: germline.
Comment: The PEX13 c.32C>A variant is predicted to result in the amino acid substitution p.Pro11His. To our knowledge, this variant has not been reported in the literature. This variant is reported in 0.040% of alleles in individuals of South Asian descent in gnomAD. At this time, the clinical significance of this variant is uncertain due to the absence of conclusive functional and genetic evidence.

Labcorp Genetics (formerly Invitae), Labcorp
Classification: Uncertain significance for Peroxisome biogenesis disorder 11A (Zellweger). Last evaluated: 2022-07-26. Review status: criteria provided, single submitter. Criteria: Invitae Variant Classification Sherloc (09022015). Collection method: clinical testing. Allele origin: germline.
Comment: This sequence change replaces proline, which is neutral and non-polar, with histidine, which is basic and polar, at codon 11 of the PEX13 protein (p.Pro11His). This variant is present in population databases (rs564528921, gnomAD 0.03%). This variant has not been reported in the literature in individuals affected with PEX13-related conditions. ClinVar contains an entry for this variant (Variation ID: 593168). Algorithms developed to predict the effect of missense changes on protein structure and function are either unavailable or do not agree on the potential impact of this missense change (SIFT: "Deleterious"; PolyPhen-2: "Probably Damaging"; Align-GVGD: "Class C0"). In summary, the available evidence is currently insufficient to determine the role of this variant in disease. Therefore, it has been classified as a Variant of Uncertain Significance.

Revvity Omics, Revvity
Classification: Uncertain significance. Last evaluated: 2021-01-27. Review status: criteria provided, single submitter. Criteria: ACMG Guidelines, 2015. Collection method: clinical testing. Allele origin: germline.

Illumina Laboratory Services, Illumina
Classification: Uncertain significance for Peroxisome biogenesis disorder 11A (Zellweger). Last evaluated: 2018-01-13. Review status: criteria provided, single submitter. Criteria: ICSL Variant Classification Criteria 13 December 2019. Collection method: clinical testing. Allele origin: germline.

Eurofins Ntd Llc (ga)
Classification: Uncertain significance. Last evaluated: 2017-07-10. Review status: criteria provided, single submitter. Criteria: EGL Classification Definitions 2015. Collection method: clinical testing. Allele origin: germline. Observed: 1 variant allele, 1 heterozygote.